The following is an entry in ClinVar:

ClinVar aggregate classification (germline): Uncertain significance (1 of 4 stars; one submission).

Conditions:
Cardiovascular phenotype. Identifiers: MedGen CN230736.

Submission:

Ambry Genetics
Classification: Uncertain significance for Cardiovascular phenotype. Last evaluated: 2023-01-16. Review status: criteria provided, single submitter. Criteria: Ambry Variant Classification Scheme 2023. Collection method: clinical testing. Allele origin: germline.
Comment: The p.M2258V variant (also known as c.6772A>G), located in coding exon 30 of the AKAP9 gene, results from an A to G substitution at nucleotide position 6772. The methionine at codon 2258 is replaced by valine, an amino acid with highly similar properties. This amino acid position is conserved. In addition, this alteration is predicted to be tolerated by in silico analysis. Since supporting evidence is limited at this time, the clinical significance of this alteration remains unclear.

NM_005751.5(AKAP9):c.6772A>G (p.Met2258Val)

Gene: AKAP9 (A-kinase anchoring protein 9; plus strand). Cytogenetic location: 7q21.2.
Variant type: single nucleotide variant.
Coding change: c.6772A>G on transcript NM_005751.5 (MANE Select); coding-DNA position 6772, A replaced by G.
Protein change: p.Met2258Val; replaces methionine 2258 with valine.
Molecular consequence: missense variant.
Genome position (GRCh38, 1-based): chr7:92,077,702, A>G. VCF-style: chr7-92077702-A-G. GRCh37 (hg19) VCF-style: chr7-91707016-A-G.
Other names: c.1417A>G, p.Met473Val (NM_001379277.1); c.6748A>G, p.Met2250Val (NM_147185.3); short protein forms M2250V, M2258V, M473V.
Identifiers: ClinVar variation 3225083 (VCV003225083.1), dbSNP rs909236475, ClinGen allele CA161884532.